The following is an entry in ClinVar:

NM_000179.3(MSH6):c.2555A>G (p.Lys852Arg)

Gene: MSH6 (mutS homolog 6; plus strand). Cytogenetic location: 2p16.3.
Variant type: single nucleotide variant.
Coding change: c.2555A>G on transcript NM_000179.3 (MANE Select); coding-DNA position 2555, A replaced by G.
Protein change: p.Lys852Arg; replaces lysine 852 with arginine.
Molecular consequence: missense variant.
Genome position (GRCh38, 1-based): chr2:47,800,538, A>G. VCF-style: chr2-47800538-A-G. GRCh37 (hg19) VCF-style: chr2-48027677-A-G.
Other names: c.2165A>G, p.Lys722Arg (NM_001281492.2); c.1649A>G, p.Lys550Arg (NM_001281493.2, NM_001281494.2); c.2555A>G (NM_000179.2); short protein forms K852R, K722R, K550R.
Identifiers: ClinVar variation 1467389 (VCV001467389.9), dbSNP rs1114167796, ClinGen allele CA346754604.

ClinVar aggregate classification (germline): Uncertain significance. Review status: criteria provided, multiple submitters, no conflicts (2 of 4 stars). 2 submissions from 2 submitters: Uncertain significance (2). Last evaluated 2026-03-23.

Conditions:
Hereditary cancer-predisposing syndrome. Also called: Tumor predisposition; Neoplastic Syndromes, Hereditary; Hereditary Cancer Syndrome; Hereditary neoplastic syndrome. Identifiers: Orphanet 140162, MedGen C0027672, MeSH D009386, MONDO:0015356.
Hereditary nonpolyposis colorectal neoplasms. Identifiers: MedGen C0009405, MeSH D003123.

Submissions (2):

Ambry Genetics
Classification: Uncertain significance for Hereditary cancer-predisposing syndrome. Last evaluated: 2026-03-23. Review status: criteria provided, single submitter. Criteria: Ambry Variant Classification Scheme 2023. Collection method: clinical testing. Allele origin: germline.
Comment: The p.K852R variant (also known as c.2555A>G), located in coding exon 4 of the MSH6 gene, results from an A to G substitution at nucleotide position 2555. The lysine at codon 852 is replaced by arginine, an amino acid with highly similar properties. This amino acid position is conserved. In addition, the in silico prediction for this alteration is inconclusive. Based on the available evidence, the clinical significance of this variant remains unclear.

Labcorp Genetics (formerly Invitae), Labcorp
Classification: Uncertain significance for Hereditary nonpolyposis colorectal neoplasms. Last evaluated: 2021-06-04. Review status: criteria provided, single submitter. Criteria: Invitae Variant Classification Sherloc (09022015). Collection method: clinical testing. Allele origin: germline.
Comment: This sequence change replaces lysine with arginine at codon 852 of the MSH6 protein (p.Lys852Arg). The lysine residue is highly conserved and there is a small physicochemical difference between lysine and arginine. This variant is not present in population databases (ExAC no frequency). This variant has not been reported in the literature in individuals with MSH6-related conditions. Algorithms developed to predict the effect of missense changes on protein structure and function (SIFT, PolyPhen-2, Align-GVGD) all suggest that this variant is likely to be disruptive, but these predictions have not been confirmed by published functional studies and their clinical significance is uncertain. In summary, the available evidence is currently insufficient to determine the role of this variant in disease. Therefore, it has been classified as a Variant of Uncertain Significance.